The following is an entry in ClinVar:

ClinVar aggregate classification (germline): Uncertain significance (1 of 4 stars; one submission).

Submission:

Ambry Genetics
Classification: Uncertain significance. Last evaluated: 2021-03-02. Review status: criteria provided, single submitter. Criteria: Ambry Variant Classification Scheme 2023. Collection method: clinical testing. Allele origin: germline.
Comment: The p.N309S variant (also known as c.926A>G), located in coding exon 1 of the MLH3 gene, results from an A to G substitution at nucleotide position 926. The asparagine at codon 309 is replaced by serine, an amino acid with highly similar properties. This amino acid position is highly conserved in available vertebrate species. In addition, this alteration is predicted to be tolerated by in silico analysis. Since supporting evidence is limited at this time, the clinical significance of this alteration remains unclear.

NM_001040108.2(MLH3):c.926A>G (p.Asn309Ser)

Gene: MLH3 (mutL homolog 3; minus strand). Cytogenetic location: 14q24.3.
Variant type: single nucleotide variant.
Coding change: c.926A>G on transcript NM_001040108.2 (MANE Select); coding-DNA position 926, A replaced by G.
Protein change: p.Asn309Ser; replaces asparagine 309 with serine.
Molecular consequence: missense variant.
Genome position (GRCh38, 1-based): chr14:75,048,730, T>C on the plus strand (A>G on the coding strand, the complement: MLH3 is on the minus strand). VCF-style: chr14-75048730-T-C. GRCh37 (hg19) VCF-style: chr14-75515433-T-C.
Other names: c.926A>G, p.Asn309Ser (NM_014381.3); short protein forms N309S.
Identifiers: ClinVar variation 1766384 (VCV001766384.2), dbSNP rs2503309845, ClinGen allele CA390448730.